The following is an entry in ClinVar:

ClinVar aggregate classification (germline): Uncertain significance (1 of 4 stars; one submission).

Conditions:
Cardiac arrhythmia. Also called: Arrhythmia; Cardiac rhythm disease. Identifiers: MedGen C0003811, MONDO:0007263, HP:0011675.

Submission:

Color Diagnostics, LLC DBA Color Health
Classification: Uncertain significance for Cardiac arrhythmia. Last evaluated: 2025-09-22. Review status: criteria provided, single submitter. Criteria: ACMG Guidelines, 2015. Collection method: clinical testing. Allele origin: germline.
Comment: This missense variant replaces arginine with lysine at codon 5 of the KCNH2 protein. Computational prediction is inconclusive regarding the impact of this variant on protein structure and function. To our knowledge, functional studies have not been reported for this variant. This variant has not been reported in individuals affected with KCNH2-related disorders in the literature. This variant has not been identified in the general population by the Genome Aggregation Database (gnomAD). The available evidence is insufficient to determine the role of this variant in disease conclusively. Therefore, this variant is classified as a Variant of Uncertain Significance.

NM_000238.4(KCNH2):c.14G>A (p.Arg5Lys)

Gene: KCNH2 (potassium voltage-gated channel subfamily H member 2; minus strand). Cytogenetic location: 7q36.1.
Variant type: single nucleotide variant.
Coding change: c.14G>A on transcript NM_000238.4 (MANE Select); coding-DNA position 14, G replaced by A.
Protein change: p.Arg5Lys; replaces arginine 5 with lysine.
Molecular consequence: missense variant. On other transcripts: non-coding transcript variant (1).
Genome position (GRCh38, 1-based): chr7:150,977,900, C>T on the plus strand (G>A on the coding strand, the complement: KCNH2 is on the minus strand). VCF-style: chr7-150977900-C-T. GRCh37 (hg19) VCF-style: chr7-150674988-C-T.
Other names: c.14G>A, p.Arg5Lys (NM_172056.3); short protein forms R5K.
Identifiers: ClinVar variation 4758405 (VCV004758405.1).